The following is an entry in ClinVar:

NM_000222.3(KIT):c.650C>T (p.Ser217Phe)

Gene: KIT (KIT proto-oncogene, receptor tyrosine kinase; plus strand). Cytogenetic location: 4q12.
Variant type: single nucleotide variant.
Coding change: c.650C>T on transcript NM_000222.3 (MANE Select); coding-DNA position 650, C replaced by T.
Protein change: p.Ser217Phe; replaces serine 217 with phenylalanine.
Molecular consequence: missense variant.
Genome position (GRCh38, 1-based): chr4:54,699,660, C>T. VCF-style: chr4-54699660-C-T. GRCh37 (hg19) VCF-style: chr4-55565826-C-T.
Other names: c.650C>T, p.Ser217Phe (NM_001093772.2, NM_001385284.1, NM_001385285.1 and 4 more transcripts); short protein forms S217F.
Identifiers: ClinVar variation 575573 (VCV000575573.9), dbSNP rs1163691210, ClinGen allele CA356898205.

ClinVar aggregate classification (germline): Uncertain significance (1 of 4 stars; one submission).

Conditions:
Gastrointestinal stromal tumor. Also called: Gastrointestinal stromal tumor, somatic; Gastrointestinal stroma tumor. Identifiers: Orphanet 44890, MedGen C0238198, MeSH D046152, MONDO:0011719, OMIM 606764, HP:0100723.

Submission:

Labcorp Genetics (formerly Invitae), Labcorp
Classification: Uncertain significance for Gastrointestinal stromal tumor. Last evaluated: 2018-02-24. Review status: criteria provided, single submitter. Criteria: Invitae Variant Classification Sherloc (09022015). Collection method: clinical testing. Allele origin: germline.
Comment: In summary, the available evidence is currently insufficient to determine the role of this variant in disease. Therefore, it has been classified as a Variant of Uncertain Significance. Algorithms developed to predict the effect of missense changes on protein structure and function do not agree on the potential impact of this missense change (SIFT: "Deleterious"; PolyPhen-2: "Possibly Damaging"; Align-GVGD: "Class C15"). This variant has not been reported in the literature in individuals with KIT-related disease. This variant is not present in population databases (ExAC no frequency). This sequence change replaces serine with phenylalanine at codon 217 of the KIT protein (p.Ser217Phe). The serine residue is moderately conserved and there is a large physicochemical difference between serine and phenylalanine.